The following is an entry in ClinVar:

NM_001081.4(CUBN):c.10795T>C (p.Ser3599Pro)

Gene: CUBN (cubilin; minus strand). Cytogenetic location: 10p13.
Variant type: single nucleotide variant.
Coding change: c.10795T>C on transcript NM_001081.4 (MANE Select); coding-DNA position 10795, T replaced by C.
Protein change: p.Ser3599Pro; replaces serine 3599 with proline.
Molecular consequence: missense variant.
Genome position (GRCh38, 1-based): chr10:16,825,052, A>G on the plus strand (T>C on the coding strand, the complement: CUBN is on the minus strand). VCF-style: chr10-16825052-A-G. GRCh37 (hg19) VCF-style: chr10-16867051-A-G.
Other names: short protein forms S3599P.
Identifiers: ClinVar variation 1397779 (VCV001397779.10), dbSNP rs1177156381, ClinGen allele CA376118816.
Genomic context (GRCh38, chr10:16,825,052, plus strand): 5'-ATCGGAATGCGGATGGACGCCGTGCATAATCAGCATGAAATTTTATGAAGACCTGATTTG[A>G]GGAAGCCACGAAGGGAGCTATGCTGGTGTCCTAAAATTGAAAAAAAAAGTATCCAATTAT-3'
Protein context (NP_001072.2, residues 3589-3609): DTSIAPFVAS[Ser3599Pro]NQVFIKFHAD

ClinVar aggregate classification (germline): Uncertain significance. Review status: criteria provided, multiple submitters, no conflicts (2 of 4 stars). 2 submissions from 2 submitters: Uncertain significance (2). Last evaluated 2022-08-19.

Conditions:
Imerslund-Grasbeck syndrome. Also called: PERNICIOUS ANEMIA, JUVENILE, DUE TO SELECTIVE INTESTINAL MALABSORPTION OF VITAMIN B12, WITH PROTEINURIA; Megaloblastic anemia due to inborn errors of metabolism; ENTEROCYTE COBALAMIN MALABSORPTION; ENTEROCYTE INTRINSIC FACTOR RECEPTOR, DEFECT OF; Imerslund-Gräsbeck syndrome. Identifiers: Orphanet 35858, MedGen C4551825, MONDO:0009853.
Proteinuria, chronic benign. Identifiers: MedGen C5394384, MONDO:0030042, OMIM 618884.
Imerslund-Grasbeck syndrome type 1 (IGS1). Also called: Imerslund-Gräsbeck syndrome 1; Megaloblastic anemia 1, Finnish type; MEGALOBLASTIC ANEMIA, 1. Identifiers: MedGen C4016819, MONDO:0100156, OMIM 261100.

Allele frequency attached by ClinVar (database versions not stated): gnomAD exomes below 0.00001; gnomAD 0.00001; TOPMed 0.00002.
gnomAD v4.1: 3 of 1,613,740 alleles (0.00019%); highest among the groups gnomAD compares: Non-Finnish European, 0.00025%; no homozygotes.

Submissions (2):

Labcorp Genetics (formerly Invitae), Labcorp
Classification: Uncertain significance for Imerslund-Grasbeck syndrome. Last evaluated: 2022-08-19. Review status: criteria provided, single submitter. Criteria: Invitae Variant Classification Sherloc (09022015). Collection method: clinical testing. Allele origin: germline.
Comment: In summary, the available evidence is currently insufficient to determine the role of this variant in disease. Therefore, it has been classified as a Variant of Uncertain Significance. Algorithms developed to predict the effect of missense changes on protein structure and function are either unavailable or do not agree on the potential impact of this missense change (SIFT: "Deleterious"; PolyPhen-2: "Probably Damaging"; Align-GVGD: "Class C0"). ClinVar contains an entry for this variant (Variation ID: 1397779). This variant has not been reported in the literature in individuals affected with CUBN-related conditions. This variant is not present in population databases (gnomAD no frequency). This sequence change replaces serine, which is neutral and polar, with proline, which is neutral and non-polar, at codon 3599 of the CUBN protein (p.Ser3599Pro).

Fulgent Genetics
Classification: Uncertain significance for Imerslund-Grasbeck syndrome type 1; Proteinuria, chronic benign. Last evaluated: 2022-04-14. Review status: criteria provided, single submitter. Criteria: ACMG Guidelines, 2015. Collection method: clinical testing. Allele origin: unknown.